The following is an entry in ClinVar:

ClinVar aggregate classification (germline): Pathogenic (1 of 4 stars; one submission).

Conditions:
Immunodeficiency 18 (IMD18). Also called: CD3-EPSILON DEFICIENCY; CD3epsilon deficiency. Identifiers: MedGen C3810127, MONDO:0014278, OMIM 615615.

Submission:

Labcorp Genetics (formerly Invitae), Labcorp
Classification: Pathogenic for Immunodeficiency 18. Last evaluated: 2019-07-02. Review status: criteria provided, single submitter. Criteria: Invitae Variant Classification Sherloc (09022015). Collection method: clinical testing. Allele origin: germline.
Comment: Loss-of-function variants in CD3E are known to be pathogenic (PMID: 8490660, 15546002). For these reasons, this variant has been classified as Pathogenic. This variant has not been reported in the literature in individuals with CD3E-related conditions. This variant is not present in population databases (ExAC no frequency). This sequence change creates a premature translational stop signal (p.Ser88Argfs*32) in the CD3E gene. It is expected to result in an absent or disrupted protein product.

Literature cited by the submitters: PubMed 8490660; PubMed 15546002.

NM_000733.4(CD3E):c.261_262del (p.Ser88fs)

Gene: CD3E (CD3 epsilon subunit of T-cell receptor complex; plus strand). Cytogenetic location: 11q23.3.
Variant type: Deletion.
Coding change: c.261_262del on transcript NM_000733.4 (MANE Select); coding-DNA positions 261 to 262, 2 bases deleted (TT; older notation c.261_262delTT).
Protein change: p.Ser88fs; shifts the reading frame from serine 88.
Molecular consequence: frameshift variant.
Genome position (GRCh38, 1-based): chr11:118,312,775-118,312,776, TT deleted; deleting any 2 consecutive bases within chr11:118,312,773-118,312,776 gives the same sequence; the c. name uses the placement nearest the transcript's 3' end. VCF-style (leftmost placement, unchanged base first): chr11-118312772-ATT-A. GRCh37 (hg19) VCF-style: chr11-118183487-ATT-A.
Other names: short protein forms S88fs.
Identifiers: ClinVar variation 847887 (VCV000847887.7), dbSNP rs1249197356, ClinGen allele CA602138664.